The following is an entry in ClinVar:

ClinVar aggregate classification (germline): Uncertain significance. Review status: criteria provided, multiple submitters, no conflicts (2 of 4 stars). 2 submissions from 2 submitters: Uncertain significance (2). Last evaluated 2023-06-16.

Conditions:
Inborn genetic diseases. Identifiers: MedGen C0950123, MeSH D030342.

Allele frequency attached by ClinVar (database versions not stated): gnomAD exomes 0.00003 and 0.00001; gnomAD 0.00001; TOPMed 0.00001; ExAC 0.00003.
gnomAD v4.1: 13 of 1,613,784 alleles (0.00081%); highest among the groups gnomAD compares: Admixed American, 0.013%; no homozygotes.

Submissions (2):

Ambry Genetics
Classification: Uncertain significance for Inborn genetic diseases. Last evaluated: 2023-06-16. Review status: criteria provided, single submitter. Criteria: Ambry Variant Classification Scheme 2023. Collection method: clinical testing. Allele origin: germline.

Labcorp Genetics (formerly Invitae), Labcorp
Classification: Uncertain significance. Last evaluated: 2022-07-18. Review status: criteria provided, single submitter. Criteria: Invitae Variant Classification Sherloc (09022015). Collection method: clinical testing. Allele origin: germline.
Comment: This sequence change replaces glycine, which is neutral and non-polar, with valine, which is neutral and non-polar, at codon 2815 of the PCLO protein (p.Gly2815Val). This variant is present in population databases (rs758572585, gnomAD 0.02%). This variant has not been reported in the literature in individuals affected with PCLO-related conditions. ClinVar contains an entry for this variant (Variation ID: 1427646). Algorithms developed to predict the effect of missense changes on protein structure and function are either unavailable or do not agree on the potential impact of this missense change (SIFT: "Deleterious"; PolyPhen-2: "Not Available"; Align-GVGD: "Class C0"). In summary, the available evidence is currently insufficient to determine the role of this variant in disease. Therefore, it has been classified as a Variant of Uncertain Significance.

NM_033026.6(PCLO):c.8444G>T (p.Gly2815Val)

Gene: PCLO (piccolo presynaptic cytomatrix protein; minus strand). Cytogenetic location: 7q21.11.
Variant type: single nucleotide variant.
Coding change: c.8444G>T on transcript NM_033026.6 (MANE Select); coding-DNA position 8444, G replaced by T.
Protein change: p.Gly2815Val; replaces glycine 2815 with valine.
Molecular consequence: missense variant.
Genome position (GRCh38, 1-based): chr7:82,952,509, C>A on the plus strand (G>T on the coding strand, the complement: PCLO is on the minus strand). VCF-style: chr7-82952509-C-A. GRCh37 (hg19) VCF-style: chr7-82581825-C-A.
Other names: c.8444G>T, p.Gly2815Val (NM_014510.3); c.8444G>T (NM_033026.5); short protein forms G2815V.
Identifiers: ClinVar variation 1427646 (VCV001427646.4), dbSNP rs758572585, ClinGen allele CA4320119.